The following is an entry in ClinVar:

NM_014159.7(SETD2):c.3168G>A (p.Ser1056=)

Gene: SETD2 (SET domain containing 2, histone lysine methyltransferase; minus strand). Cytogenetic location: 3p21.31.
Variant type: single nucleotide variant.
Coding change: c.3168G>A on transcript NM_014159.7 (MANE Select); coding-DNA position 3168, G replaced by A.
Protein change: p.Ser1056=; no amino-acid change (serine 1056 retained).
Molecular consequence: synonymous variant. On other transcripts: non-coding transcript variant (1).
Genome position (GRCh38, 1-based): chr3:47,121,468, C>T on the plus strand (G>A on the coding strand, the complement: SETD2 is on the minus strand). VCF-style: chr3-47121468-C-T. GRCh37 (hg19) VCF-style: chr3-47162958-C-T.
Other names: c.3036G>A, p.Ser1012= (NM_001349370.3).
Identifiers: ClinVar variation 1337950 (VCV001337950.9), dbSNP rs768944836, ClinGen allele CA2363429.
Genomic context (GRCh38, chr3:47,121,468, plus strand): 5'-AGAATTCTTTGGCACAACCACAACAGACTGGAGACGGTTTCTTGGAATACTGCTATCATC[C>T]GAATCTGTATCTTCTGAATCACTTTCATCATTTGAACTTTCAGAAGAGCCAGAATAATCT-3'
Protein context (NP_054878.5, residues 1046-1066): NDESDSEDTD[Ser1056=]DDSSIPRNRL

ClinVar aggregate classification (germline): Conflicting classifications of pathogenicity. Review status: criteria provided, conflicting classifications (1 of 4 stars). 4 submissions from 4 submitters: Uncertain significance (1); Likely benign (2). 1 of the submissions does not count toward it. Last evaluated 2025-09-04.

Conditions:
Luscan-Lumish syndrome. Identifiers: Orphanet 597738, MedGen C4085873, MONDO:0014791, OMIM 616831.
Rabin-Pappas syndrome. Identifiers: MedGen C5774269, MONDO:0859331, OMIM 620155.
Intellectual developmental disorder, autosomal dominant 70. Identifiers: MedGen C5774271, MONDO:0859333, OMIM 620157.
SETD2-related disorder.

Allele frequency attached by ClinVar (database versions not stated): gnomAD exomes 0.00003 and 0.00001; ExAC 0.00004.
gnomAD v4.1: 8 of 1,613,544 alleles (0.0005%); highest among the groups gnomAD compares: Admixed American, 0.012%; no homozygotes.

Submissions (4):

Labcorp Genetics (formerly Invitae), Labcorp
Classification: Likely benign for Luscan-Lumish syndrome. Last evaluated: 2025-09-04. Review status: criteria provided, single submitter. Criteria: Invitae Variant Classification Sherloc (09022015). Collection method: clinical testing. Allele origin: germline.

Genetic Services Laboratory, University of Chicago
Classification: Likely benign. Last evaluated: 2021-05-25. Review status: criteria provided, single submitter. Criteria: ACMG Guidelines, 2015. Collection method: clinical testing. Allele origin: germline. Affected: no.

Center for Genomics, Ann and Robert H. Lurie Children's Hospital of Chicago
Classification: Uncertain significance for Luscan-Lumish syndrome; Intellectual developmental disorder, autosomal dominant 70; Rabin-Pappas syndrome. Review status: criteria provided, single submitter. Criteria: ACMG Guidelines, 2015. Collection method: clinical testing. Allele origin: germline.
Comment: This variant has not been reported in the literature but is present in the Genome Aggregation Database (Highest reported MAF 0.01% (6/34580). This variant is present in ClinVar (Variation ID:1337950). Evolutionary conservation and computational predictive tools for this variant are limited or unavailable. Of note, this variant is a silent variant and does not change the amino acid, reducing the probability that this variant is disease causing. In summary, data on this variant is insufficient for disease classification. Therefore, the clinical significance of this variant is uncertain.

PreventionGenetics, part of Exact Sciences
Classification: Likely benign for SETD2-related condition. Last evaluated: 2020-12-24. Review status: no assertion criteria provided. Collection method: clinical testing. Allele origin: germline. Not counted in ClinVar's aggregate classification.
Comment: This variant is classified as likely benign based on ACMG/AMP sequence variant interpretation guidelines (Richards et al. 2015 PMID: 25741868, with internal and published modifications).